The following is an entry in ClinVar:

ClinVar aggregate classification (germline): Uncertain significance. Review status: criteria provided, multiple submitters, no conflicts (2 of 4 stars). 2 submissions from 2 submitters: Uncertain significance (2). Last evaluated 2025-07-03.

Conditions:
Hereditary cancer-predisposing syndrome. Also called: Hereditary Cancer Syndrome; Neoplastic Syndromes, Hereditary; Tumor predisposition; Hereditary neoplastic syndrome. Identifiers: Orphanet 140162, MedGen C0027672, MeSH D009386, MONDO:0015356.

Allele frequency attached by ClinVar (database versions not stated): gnomAD exomes below 0.00001; ExAC 0.00001.
gnomAD v4.1: 1 of 1,614,144 alleles (0.000062%); highest among the groups gnomAD compares: Non-Finnish European, 0.000085%; no homozygotes.

Submissions (2):

Ambry Genetics
Classification: Uncertain significance for Hereditary cancer-predisposing syndrome. Last evaluated: 2025-07-03. Review status: criteria provided, single submitter. Criteria: Ambry Variant Classification Scheme 2023. Collection method: clinical testing. Allele origin: germline.
Comment: The p.A126D variant (also known as c.377C>A), located in coding exon 5 of the MAX gene, results from a C to A substitution at nucleotide position 377. The alanine at codon 126 is replaced by aspartic acid, an amino acid with dissimilar properties. This amino acid position is conserved. In addition, the in silico prediction for this alteration is inconclusive. Since supporting evidence is limited at this time, the clinical significance of this alteration remains unclear.

Blueprint Genetics
Classification: Uncertain significance. Last evaluated: 2024-08-15. Review status: criteria provided, single submitter. Criteria: ACMG Guidelines, 2015. Collection method: clinical testing. Allele origin: germline.

NM_002382.5(MAX):c.377C>A (p.Ala126Asp)

Gene: MAX (MYC associated transcriptional regulator X; minus strand). Cytogenetic location: 14q23.3.
Variant type: single nucleotide variant.
Coding change: c.377C>A on transcript NM_002382.5 (MANE Select); coding-DNA position 377, C replaced by A.
Protein change: p.Ala126Asp; replaces alanine 126 with aspartic acid.
Molecular consequence: missense variant. On other transcripts: 3 prime UTR variant (12), non-coding transcript variant (7), intron variant (2).
Genome position (GRCh38, 1-based): chr14:65,076,582, G>T on the plus strand (C>A on the coding strand, the complement: MAX is on the minus strand). VCF-style: chr14-65076582-G-T. GRCh37 (hg19) VCF-style: chr14-65543300-G-T.
Other names: c.188C>A, p.Ala63Asp (NM_001320415.2, NM_001407105.1, NM_001407106.1 and 1 more transcripts); c.377C>A, p.Ala126Asp (NM_001407094.1); c.350C>A, p.Ala117Asp (NM_001407095.1, NM_145112.3); c.*150C>A (NM_001407096.1, NM_001407099.1, NM_001407102.1 and 2 more transcripts); c.*166C>A (NM_001407097.1, NM_001407100.1, NM_001407101.1 and 4 more transcripts); c.269C>A, p.Ala90Asp (NM_001407098.1); c.176C>A, p.Ala59Asp (NM_001407111.1, NM_001407112.1); c.144+17126C>A (NM_001271069.2); and 1 more; short protein forms A90D, A126D, A63D, A59D, A117D.
Identifiers: ClinVar variation 2447489 (VCV002447489.4), dbSNP rs758370305, ClinGen allele CA7232799.
Genomic context (GRCh38, chr14:65,076,582, plus strand): 5'-GGCTCAGACTCCGAGCTGGAGTCCGAGCCCCCATCGAAGGCAGAGATGGTGCTGCCCTTG[G>T]CGTTGGTGTAGAGGCTGTTGTCTGAGGAGGGGTAGTTGGTCTGCAGTTGGGCACTTGACC-3'
Protein context (NP_002373.3, residues 116-136): PSSDNSLYTN[Ala126Asp]KGSTISAFDG